The following is an entry in ClinVar:

ClinVar aggregate classification (germline): Pathogenic (1 of 4 stars; one submission).

Conditions:
Facioscapulohumeral muscular dystrophy 2 (FSHD2). Also called: MUSCULAR DYSTROPHY, FACIOSCAPULOHUMERAL, TYPE 1B; FACIOSCAPULOHUMERAL MUSCULAR DYSTROPHY 2, DIGENIC; FSHD2, DIGENIC. Identifiers: Orphanet 269, MedGen C1834671, MONDO:0008031, OMIM 158901.

Submission:

Labcorp Genetics (formerly Invitae), Labcorp
Classification: Pathogenic for Facioscapulohumeral muscular dystrophy 2. Last evaluated: 2022-10-13. Review status: criteria provided, single submitter. Criteria: Invitae Variant Classification Sherloc (09022015). Collection method: clinical testing. Allele origin: germline.
Comment: This sequence change creates a premature translational stop signal (p.Gln1007*) in the SMCHD1 gene. It is expected to result in an absent or disrupted protein product. Loss-of-function variants in SMCHD1 are known to be pathogenic (PMID: 23143600). For these reasons, this variant has been classified as Pathogenic. This variant has not been reported in the literature in individuals affected with SMCHD1-related conditions. This variant is not present in population databases (gnomAD no frequency).

Literature cited by the submitters: PubMed 23143600.

NM_015295.3(SMCHD1):c.3019C>T (p.Gln1007Ter)

Gene: SMCHD1 (structural maintenance of chromosomes flexible hinge domain containing 1; plus strand). Cytogenetic location: 18p11.32.
Variant type: single nucleotide variant.
Coding change: c.3019C>T on transcript NM_015295.3 (MANE Select); coding-DNA position 3019, C replaced by T.
Protein change: p.Gln1007Ter; replaces glutamine 1007 with a stop codon.
Molecular consequence: nonsense.
Genome position (GRCh38, 1-based): chr18:2,729,380, C>T. VCF-style: chr18-2729380-C-T. GRCh37 (hg19) VCF-style: chr18-2729378-C-T.
Other names: short protein forms Q1007*.
Identifiers: ClinVar variation 1957074 (VCV001957074.5), dbSNP rs2510085323, ClinGen allele CA401684290.
Genomic context (GRCh38, chr18:2,729,380, plus strand): 5'-AGTTCTGGAACCAGTATTTTAACAGGATCTGCAATTCAAGTTCAGAATATTAAAAAAGAC[C>T]AGACGCTTAAAGCAAGAATTGAAATACCTGTAAGTTATTATTGTTACTCATTGATATTAT-3'